The following is an entry in ClinVar:

ClinVar aggregate classification (germline): Likely benign. Review status: criteria provided, multiple submitters, no conflicts (2 of 4 stars). 2 submissions from 2 submitters: Likely benign (2). Last evaluated 2025-06-01.

Allele frequency attached by ClinVar (database versions not stated): gnomAD exomes 0.00002.
gnomAD v4.1: 35 of 1,614,224 alleles (0.0022%); highest among the groups gnomAD compares: Non-Finnish European, 0.0026%; no homozygotes.

Submissions (2):

CeGaT Center for Human Genetics Tuebingen
Classification: Likely benign. Last evaluated: 2025-06-01. Review status: criteria provided, single submitter. Criteria: CeGaT Center For Human Genetics Tuebingen Variant Classification Criteria Version 2. Collection method: clinical testing. Allele origin: germline. Affected: yes. Observed: 1 variant allele.
Comment: KATNIP: BP4, BP7

Labcorp Genetics (formerly Invitae), Labcorp
Classification: Likely benign. Last evaluated: 2022-02-21. Review status: criteria provided, single submitter. Criteria: Invitae Variant Classification Sherloc (09022015). Collection method: clinical testing. Allele origin: germline.

NM_015202.5(KATNIP):c.648G>A (p.Glu216=)

Gene: KATNIP (katanin interacting protein; plus strand). Cytogenetic location: 16p12.1.
Variant type: single nucleotide variant.
Coding change: c.648G>A on transcript NM_015202.5 (MANE Select); coding-DNA position 648, G replaced by A.
Protein change: p.Glu216=; no amino-acid change (glutamic acid 216 retained).
Molecular consequence: synonymous variant.
Genome position (GRCh38, 1-based): chr16:27,677,836, G>A. VCF-style: chr16-27677836-G-A. GRCh37 (hg19) VCF-style: chr16-27689157-G-A.
Identifiers: ClinVar variation 1918805 (VCV001918805.15), dbSNP rs1429935599, ClinGen allele CA494260948.